The following is an entry in ClinVar:

NM_018972.4(GDAP1):c.118-87G>A

Gene: GDAP1 (ganglioside induced differentiation associated protein 1; plus strand). Cytogenetic location: 8q21.11.
Variant type: single nucleotide variant.
Coding change: c.118-87G>A on transcript NM_018972.4 (MANE Select); 87 bases into the intron before coding-DNA position 118, G replaced by A.
Molecular consequence: intron variant.
Genome position (GRCh38, 1-based): chr8:74,351,187, G>A. VCF-style: chr8-74351187-G-A. GRCh37 (hg19) VCF-style: chr8-75263422-G-A.
Other names: c.118-87G>A (NM_001362931.2, NM_001362930.2); c.-65-87G>A (NM_001362929.2); c.-18+609G>A (NM_001362932.2); c.-63-111G>A (NM_001040875.4).
Identifiers: ClinVar variation 677274 (VCV000677274.2), dbSNP rs116253195, ClinGen allele CA12864782.

ClinVar aggregate classification (germline): Benign. Review status: criteria provided, multiple submitters, no conflicts (2 of 4 stars). 2 submissions from 2 submitters: Benign (2). Last evaluated 2018-06-16.

Allele frequency attached by ClinVar (database versions not stated): gnomAD 0.02454 and 0.02636; TOPMed 0.02804; 1000 Genomes Project 0.02815; 1000 Genomes Project 30x 0.02920.
gnomAD v4.1: 6,171 of 1,036,784 alleles (0.6%); highest among the groups gnomAD compares: African/African-American, 8.6%; 244 homozygotes.

Submissions (2):

GeneDx
Classification: Benign. Last evaluated: 2018-06-16. Review status: criteria provided, single submitter. Criteria: GeneDx Variant Classification (06012015). Collection method: clinical testing. Allele origin: germline. Affected: yes.
Comment: This variant is considered likely benign or benign based on one or more of the following criteria: it is a conservative change, it occurs at a poorly conserved position in the protein, it is predicted to be benign by multiple in silico algorithms, and/or has population frequency not consistent with disease.

Breakthrough Genomics
Classification: Benign. Review status: criteria provided, single submitter. Criteria: ACMG Guidelines, 2015. Collection method: not provided. Allele origin: germline. Inheritance: Autosomal recessive inheritance. Affected: yes.